The following is an entry in ClinVar:

NM_022835.3(PLEKHG2):c.3982C>T (p.Pro1328Ser)

Gene: PLEKHG2 (pleckstrin homology and RhoGEF domain containing G2; plus strand). Cytogenetic location: 19q13.2.
Variant type: single nucleotide variant.
Coding change: c.3982C>T on transcript NM_022835.3 (MANE Select); coding-DNA position 3982, C replaced by T.
Protein change: p.Pro1328Ser; replaces proline 1328 with serine.
Molecular consequence: missense variant. On other transcripts: intron variant (2).
Genome position (GRCh38, 1-based): chr19:39,425,115, C>T. VCF-style: chr19-39425115-C-T. GRCh37 (hg19) VCF-style: chr19-39915755-C-T.
Other names: c.3573-123C>T (NM_001351693.2); c.1678-123C>T (NM_001351694.2); short protein forms P1328S.
Identifiers: ClinVar variation 4538759 (VCV004538759.1).
Genomic context (GRCh38, chr19:39,425,115, plus strand): 5'-TGGTCCTCTGCTCCCACGTCACGGGCATCTTCGCCGCCCCCCCAGCCCCAGCCACCACCT[C>T]CCCCAGCCAGGCGGCTCAGCTATGCCACGACGGTTAACATCCACGTGGGCGGGGGTGGGC-3'
Protein context (NP_073746.2, residues 1318-1338): SPPPQPQPPP[Pro1328Ser]PARRLSYATT

ClinVar aggregate classification (germline): Uncertain significance (1 of 4 stars; one submission).

gnomAD v4.1: 2 of 1,588,904 alleles (0.00013%); highest among the groups gnomAD compares: Non-Finnish European, 0.00017%; no homozygotes.

Submission:

GeneDx
Classification: Uncertain significance. Last evaluated: 2025-06-20. Review status: criteria provided, single submitter. Criteria: GeneDx Variant Classification Process June 2021. Collection method: clinical testing. Allele origin: germline. Affected: yes.
Comment: Has not been previously published as pathogenic or benign to our knowledge; Not observed at significant frequency in large population cohorts (gnomAD); In silico analysis supports that this missense variant has a deleterious effect on protein structure/function